The following is an entry in ClinVar:

NM_000038.6(APC):c.190G>A (p.Gly64Arg)

Gene: APC (APC regulator of Wnt signaling pathway; plus strand). Cytogenetic location: 5q22.2.
Variant type: single nucleotide variant.
Coding change: c.190G>A on transcript NM_000038.6 (MANE Select); coding-DNA position 190, G replaced by A.
Protein change: p.Gly64Arg; replaces glycine 64 with arginine.
Molecular consequence: missense variant. On other transcripts: 5 prime UTR variant (1).
Genome position (GRCh38, 1-based): chr5:112,766,380, G>A. VCF-style: chr5-112766380-G-A. GRCh37 (hg19) VCF-style: chr5-112102077-G-A.
Other names: c.190G>A, p.Gly64Arg (NM_001407459.1, NM_001407460.1, NM_001407467.1 and 16 more transcripts); c.-846G>A (NM_001407470.1, NM_001407471.1, NM_001407472.1 and 1 more transcripts); c.220G>A, p.Gly74Arg (NM_001127511.3, NM_001354897.2, NM_001354902.2 and 1 more transcripts); c.115G>A, p.Gly39Arg (NM_001354898.2, NM_001354904.2, NM_001407451.1); c.13G>A, p.Gly5Arg (NM_001354900.2, NM_001354901.2, NM_001354905.2 and 1 more transcripts); c.190G>A (NM_000038.5); short protein forms G5R, G64R, G74R, G39R.
Identifiers: ClinVar variation 2172683 (VCV002172683.6), dbSNP rs79323615, ClinGen allele CA16021759.

ClinVar aggregate classification (germline): Uncertain significance. Review status: criteria provided, multiple submitters, no conflicts (2 of 4 stars). 3 submissions from 3 submitters: Uncertain significance (3). Last evaluated 2026-08-20.

Conditions:
Familial adenomatous polyposis 1 (FAP1). Also called: FAMILIAL ADENOMATOUS POLYPOSIS 1, ATTENUATED; POLYPOSIS, ADENOMATOUS INTESTINAL. Identifiers: MedGen C2713442, MONDO:0021056, OMIM 175100. Disease mechanism: loss of function.
Hereditary cancer-predisposing syndrome. Also called: Tumor predisposition; Hereditary Cancer Syndrome; Hereditary neoplastic syndrome; Neoplastic Syndromes, Hereditary. Identifiers: Orphanet 140162, MedGen C0027672, MeSH D009386, MONDO:0015356.

Allele frequency attached by ClinVar (database versions not stated): gnomAD exomes below 0.00001.
gnomAD v4.1: 1 of 1,612,124 alleles (0.000062%); highest among the groups gnomAD compares: African/African-American, 0.0013%; no homozygotes.

Submissions (3):

Ambry Genetics
Classification: Uncertain significance for Hereditary cancer-predisposing syndrome. Last evaluated: 2026-08-20. Review status: criteria provided, single submitter. Criteria: Ambry Variant Classification Scheme 2023. Collection method: clinical testing. Allele origin: germline.
Comment: The p.G64R variant (also known as c.190G>A), located in coding exon 2 of the APC gene, results from a G to A substitution at nucleotide position 190. The glycine at codon 64 is replaced by arginine, an amino acid with dissimilar properties. This amino acid position is highly conserved in available vertebrate species. In addition, in silico predictors for this gene do not accurately predict pathogenicity. Missense variants in APC are not a common cause of disease (Spier I et al. Genet Med. 2024 Feb;26(2):100992). Based on the available evidence, the clinical significance of this variant remains unclear.

GeneDx
Classification: Uncertain significance. Last evaluated: 2025-07-19. Review status: criteria provided, single submitter. Criteria: GeneDx Variant Classification Process June 2021. Collection method: clinical testing. Allele origin: germline. Affected: yes.
Comment: Not observed at significant frequency in large population cohorts (gnomAD); In silico analysis supports that this missense variant has a deleterious effect on protein structure/function; Has not been previously published as pathogenic or benign to our knowledge

Labcorp Genetics (formerly Invitae), Labcorp
Classification: Uncertain significance for Familial adenomatous polyposis 1. Last evaluated: 2022-06-12. Review status: criteria provided, single submitter. Criteria: Invitae Variant Classification Sherloc (09022015). Collection method: clinical testing. Allele origin: germline.
Comment: In summary, the available evidence is currently insufficient to determine the role of this variant in disease. Therefore, it has been classified as a Variant of Uncertain Significance. Algorithms developed to predict the effect of sequence changes on RNA splicing suggest that this variant may create or strengthen a splice site. Algorithms developed to predict the effect of missense changes on protein structure and function (SIFT, PolyPhen-2, Align-GVGD) all suggest that this variant is likely to be disruptive. This variant has not been reported in the literature in individuals affected with APC-related conditions. This variant is not present in population databases (gnomAD no frequency). This sequence change replaces glycine, which is neutral and non-polar, with arginine, which is basic and polar, at codon 64 of the APC protein (p.Gly64Arg).